The following is an entry in ClinVar:

ClinVar aggregate classification (germline): Uncertain significance (1 of 4 stars; one submission).

Allele frequency attached by ClinVar (database versions not stated): gnomAD exomes 0.00001; TOPMed 0.00001.
gnomAD v4.1: 10 of 1,614,178 alleles (0.00062%); highest among the groups gnomAD compares: East Asian, 0.013%; no homozygotes.

Submission:

Labcorp Genetics (formerly Invitae), Labcorp
Classification: Uncertain significance. Last evaluated: 2022-04-20. Review status: criteria provided, single submitter. Criteria: Invitae Variant Classification Sherloc (09022015). Collection method: clinical testing. Allele origin: germline.
Comment: This variant has not been reported in the literature in individuals affected with MYO5B-related conditions. This variant is present in population databases (no rsID available, gnomAD 0.02%). This sequence change replaces isoleucine, which is neutral and non-polar, with valine, which is neutral and non-polar, at codon 234 of the MYO5B protein (p.Ile234Val). Algorithms developed to predict the effect of missense changes on protein structure and function are either unavailable or do not agree on the potential impact of this missense change (SIFT: "Deleterious"; PolyPhen-2: "Probably Damaging"; Align-GVGD: "Class C0"). In summary, the available evidence is currently insufficient to determine the role of this variant in disease. Therefore, it has been classified as a Variant of Uncertain Significance.

NM_001080467.3(MYO5B):c.700A>G (p.Ile234Val)

Gene: MYO5B (myosin VB; minus strand). Cytogenetic location: 18q21.1.
Variant type: single nucleotide variant.
Coding change: c.700A>G on transcript NM_001080467.3 (MANE Select); coding-DNA position 700, A replaced by G.
Protein change: p.Ile234Val; replaces isoleucine 234 with valine.
Molecular consequence: missense variant.
Genome position (GRCh38, 1-based): chr18:49,992,344, T>C on the plus strand (A>G on the coding strand, the complement: MYO5B is on the minus strand). VCF-style: chr18-49992344-T-C. GRCh37 (hg19) VCF-style: chr18-47518714-T-C.
Other names: short protein forms I234V.
Identifiers: ClinVar variation 1967398 (VCV001967398.5), dbSNP rs1033882250, ClinGen allele CA299988080.